The following is an entry in ClinVar:

ClinVar aggregate classification (germline): Likely benign. Review status: criteria provided, multiple submitters, no conflicts (2 of 4 stars). 3 submissions from 3 submitters: Likely benign (3). Last evaluated 2023-04-28.

Conditions:
Familial thoracic aortic aneurysm and aortic dissection (TAAD). Also called: Thoracic aortic aneurysms and dissections. Identifiers: Orphanet 91387, MedGen C4707243, MONDO:0019625.

Allele frequency attached by ClinVar (database versions not stated): gnomAD exomes below 0.00001; gnomAD 0.00001; TOPMed 0.00001.
gnomAD v4.1: 3 of 1,614,104 alleles (0.00019%); highest among the groups gnomAD compares: Non-Finnish European, 0.00025%; no homozygotes.

Submissions (3):

All of Us Research Program, National Institutes of Health
Classification: Likely benign for Familial thoracic aortic aneurysm and aortic dissection. Last evaluated: 2023-04-28. Review status: criteria provided, single submitter. Criteria: ACMG Guidelines, 2015. Collection method: clinical testing. Allele origin: germline. Inheritance: Autosomal dominant inheritance. Observed: 1 variant allele, 1 heterozygote.
Comment: This study involves interpretation of variants in research participants for the purpose of population health screening. Participant phenotype was not available at the time of variant classification. Additional details can be found in publication PMID: 35346344, PMCID: PMC8962531

Ambry Genetics
Classification: Likely benign for Familial thoracic aortic aneurysm and aortic dissection. Last evaluated: 2020-12-02. Review status: criteria provided, single submitter. Criteria: Ambry Variant Classification Scheme 2023. Collection method: clinical testing. Allele origin: germline.

Color Diagnostics, LLC DBA Color Health
Classification: Likely benign for Familial thoracic aortic aneurysm and aortic dissection. Last evaluated: 2019-01-20. Review status: criteria provided, single submitter. Criteria: ACMG Guidelines, 2015. Collection method: clinical testing. Allele origin: germline.

NM_002474.3(MYH11):c.5460G>A (p.Glu1820=)

Genes: MYH11 (myosin heavy chain 11; minus strand), NDE1 (nudE neurodevelopment protein 1; plus strand). Cytogenetic location: 16p13.11.
Variant type: single nucleotide variant.
Coding change: c.5460G>A on transcript NM_002474.3 (MANE Select); coding-DNA position 5460, G replaced by A.
Protein change: p.Glu1820=; no amino-acid change (glutamic acid 1820 retained).
Molecular consequence: synonymous variant. On other transcripts: intron variant (2).
Genome position (GRCh38, 1-based): chr16:15,717,184, C>T on the plus strand (G>A on the coding strand, the complement: MYH11 is on the minus strand). VCF-style: chr16-15717184-C-T. GRCh37 (hg19) VCF-style: chr16-15811041-C-T.
Other names: c.5481G>A, p.Glu1827= (NM_001040113.2, NM_001040114.2); c.5460G>A, p.Glu1820= (NM_022844.3); c.948-7007C>T (NM_001143979.2, NM_017668.3).
Identifiers: ClinVar variation 923229 (VCV000923229.5), dbSNP rs1354299369, ClinGen allele CA494087634.
Genomic context (GRCh38, chr16:15,717,184, plus strand): 5'-CTCCACACCCGCATACCTGGCCTCCTGCTCGACCTGCTCCTCCAGCTGTGCAATCTTGGC[C>T]TCCAGCGCCGCGATGGTGGACTTGAACTTGGACTTGACGGCCCCCTCCATCTCGTGGAGC-3'
Protein context (NP_002465.1, residues 1810-1830): SKFKSTIAAL[Glu1820=]AKIAQLEEQV